The following is an entry in ClinVar:

ClinVar aggregate classification (germline): Benign (1 of 4 stars; one submission).

Conditions:
BSG-related disorder. Also called: BSG-related condition.

gnomAD v4.1: 14,703 of 1,612,594 alleles (0.91%); highest among the groups gnomAD compares: Non-Finnish European, 1.1%; 80 homozygotes.

Submission:

PreventionGenetics, part of Exact Sciences
Classification: Benign for BSG-related condition. Last evaluated: 2025-02-03. Review status: criteria provided, single submitter. Criteria: ACMG Guidelines, 2015. Collection method: clinical testing. Allele origin: germline.
Comment: This variant is classified as benign based on ACMG/AMP sequence variant interpretation guidelines (Richards et al. 2015 PMID: 25741868, with internal and published modifications).

NM_001728.4(BSG):c.417C>T (p.Pro139=)

Gene: BSG (basigin (Ok blood group); plus strand). Cytogenetic location: 19p13.3.
Variant type: single nucleotide variant.
Coding change: c.417C>T on transcript NM_001728.4 (MANE Select); coding-DNA position 417, C replaced by T.
Protein change: p.Pro139=; no amino-acid change (proline 139 retained).
Molecular consequence: synonymous variant. On other transcripts: 5 prime UTR variant (1), intron variant (1).
Genome position (GRCh38, 1-based): chr19:579,501, C>T. VCF-style: chr19-579501-C-T. GRCh37 (hg19) VCF-style: chr19-579501-C-T.
Other names: c.69C>T, p.Ala23= (NM_001322243.2, NM_198589.3); c.-211C>T (NM_198590.3); c.-55-878C>T (NM_198591.4).
Identifiers: ClinVar variation 4980328 (VCV004980328.1).
Genomic context (GRCh38, chr19:579,501, plus strand): 5'-GCAGGCAGCGCGGGCCGTGCTCCTCCACTCTGCTGACCGCGTCTCGCCGGGCCTTGCAGC[C>T]GGCACAGTCTTCACTACCGTAGAAGACCTTGGCTCCAAGATACTCCTCACCTGCTCCTTG-3'
Protein context (NP_001719.2, residues 129-149): RAQAVVLVLE[Pro139=]GTVFTTVEDL